The following is an entry in ClinVar:

ClinVar aggregate classification (germline): Uncertain significance (1 of 4 stars; one submission).

Conditions:
Autoimmune lymphoproliferative syndrome type 1. Also called: AUTOIMMUNE LYMPHOPROLIFERATIVE SYNDROME, TYPE I, AUTOSOMAL DOMINANT. Identifiers: Orphanet 3261, MedGen C2717884, MONDO:0011158, OMIM 601859.

Submission:

Labcorp Genetics (formerly Invitae), Labcorp
Classification: Uncertain significance for Autoimmune lymphoproliferative syndrome. Last evaluated: 2021-08-27. Review status: criteria provided, single submitter. Criteria: Invitae Variant Classification Sherloc (09022015). Collection method: clinical testing. Allele origin: germline.
Comment: This variant, c.153_158del, results in the deletion of 2 amino acid(s) of the FASLG protein (p.Pro52_Pro53del), but otherwise preserves the integrity of the reading frame. This variant is present in population databases (rs770888162, ExAC 0.02%). This variant has not been reported in the literature in individuals affected with FASLG-related conditions. Experimental studies and prediction algorithms are not available or were not evaluated, and the functional significance of this variant is currently unknown. In summary, the available evidence is currently insufficient to determine the role of this variant in disease. Therefore, it has been classified as a Variant of Uncertain Significance.

NM_000639.3(FASLG):c.147GCCACC[1] (p.Pro52_Pro53del)

Gene: FASLG (Fas ligand; plus strand). Cytogenetic location: 1q24.3.
Variant type: Microsatellite.
Coding change: c.147GCCACC[1] on transcript NM_000639.3 (MANE Select); one copy of the 6-base unit GCCACC starting at c.147; the reference has two copies in a row; one copy, 6 bases deleted.
Protein change: p.Pro52_Pro53del.
Molecular consequence: inframe deletion.
Genome position (GRCh38, 1-based): chr1:172,659,354-172,659,359, GCCACC deleted; deleting any 6 consecutive bases within chr1:172,659,343-172,659,359 gives the same sequence; the position shown is the placement nearest the transcript's 3' end. VCF-style (leftmost placement, unchanged base first): chr1-172659342-ACCACCG-A. GRCh37 (hg19) VCF-style: chr1-172628482-ACCACCG-A.
Other names: c.147GCCACC[1], p.Pro52_Pro53del (NM_001302746.2).
Identifiers: ClinVar variation 837308 (VCV000837308.4), dbSNP rs749237778, ClinGen allele CA1247454.